The following is an entry in ClinVar:

NM_015041.3(CLUAP1):c.134+4C>T

Gene: CLUAP1 (clusterin associated protein 1; plus strand). Cytogenetic location: 16p13.3.
Variant type: single nucleotide variant.
Coding change: c.134+4C>T on transcript NM_015041.3 (MANE Select); 4 bases into the intron after coding-DNA position 134, C replaced by T.
Molecular consequence: intron variant.
Genome position (GRCh38, 1-based): chr16:3,504,835, C>T. VCF-style: chr16-3504835-C-T. GRCh37 (hg19) VCF-style: chr16-3554835-C-T.
Other names: c.134+4C>T (NM_001330454.2).
Identifiers: ClinVar variation 838716 (VCV000838716.7), dbSNP rs375525130, ClinGen allele CA7863602.

ClinVar aggregate classification (germline): Uncertain significance (1 of 4 stars; one submission).

Allele frequency attached by ClinVar (database versions not stated): TOPMed 0.00005; gnomAD 0.00006 and 0.00007; ESP Exome Variant Server 0.00008.
gnomAD v4.1: 52 of 1,515,456 alleles (0.0034%); highest among the groups gnomAD compares: Middle Eastern, 0.051%; no homozygotes.

Submission:

Labcorp Genetics (formerly Invitae), Labcorp
Classification: Uncertain significance. Last evaluated: 2025-04-28. Review status: criteria provided, single submitter. Criteria: Invitae Variant Classification Sherloc (09022015). Collection method: clinical testing. Allele origin: germline.
Comment: This sequence change falls in intron 2 of the CLUAP1 gene. It does not directly change the encoded amino acid sequence of the CLUAP1 protein. It affects a nucleotide within the consensus splice site. This variant is present in population databases (rs375525130, gnomAD 0.006%). This variant has not been reported in the literature in individuals affected with CLUAP1-related conditions. ClinVar contains an entry for this variant (Variation ID: 838716). Variants that disrupt the consensus splice site are a relatively common cause of aberrant splicing (PMID: 17576681, 9536098). Algorithms developed to predict the effect of sequence changes on RNA splicing suggest that this variant is not likely to affect RNA splicing. In summary, the available evidence is currently insufficient to determine the role of this variant in disease. Therefore, it has been classified as a Variant of Uncertain Significance.

Literature cited by the submitters: PubMed 17576681; PubMed 9536098.